The following is an entry in ClinVar:

ClinVar aggregate classification (germline): Uncertain significance. Review status: criteria provided, multiple submitters, no conflicts (2 of 4 stars). 4 submissions from 4 submitters: Uncertain significance (4). Last evaluated 2023-04-11.

Conditions:
Developmental and epileptic encephalopathy, 18 (DEE18). Also called: Early infantile epileptic encephalopathy 18. Identifiers: Orphanet 369894, MedGen C3809624, MONDO:0014201, OMIM 615476.
Inborn genetic diseases. Identifiers: MedGen C0950123, MeSH D030342.

Allele frequency attached by ClinVar (database versions not stated): gnomAD exomes 0.00002 and 0.00004; TOPMed 0.00002; gnomAD 0.00003.
gnomAD v4.1: 62 of 1,557,436 alleles (0.004%); highest among the groups gnomAD compares: Non-Finnish European, 0.0049%; no homozygotes.

Submissions (4):

Genome-Nilou Lab
Classification: Uncertain significance for Developmental and epileptic encephalopathy, 18. Last evaluated: 2023-04-11. Review status: criteria provided, single submitter. Criteria: ACMG Guidelines, 2015. Collection method: clinical testing. Allele origin: germline. Affected: no.

Labcorp Genetics (formerly Invitae), Labcorp
Classification: Uncertain significance. Last evaluated: 2022-11-01. Review status: criteria provided, single submitter. Criteria: Invitae Variant Classification Sherloc (09022015). Collection method: clinical testing. Allele origin: germline.
Comment: This sequence change replaces arginine, which is basic and polar, with tryptophan, which is neutral and slightly polar, at codon 3204 of the SZT2 protein (p.Arg3204Trp). This variant is present in population databases (rs757417546, gnomAD 0.01%). This variant has not been reported in the literature in individuals affected with SZT2-related conditions. ClinVar contains an entry for this variant (Variation ID: 588031). Advanced modeling of protein sequence and biophysical properties (such as structural, functional, and spatial information, amino acid conservation, physicochemical variation, residue mobility, and thermodynamic stability) performed at Invitae indicates that this missense variant is not expected to disrupt SZT2 protein function. In summary, the available evidence is currently insufficient to determine the role of this variant in disease. Therefore, it has been classified as a Variant of Uncertain Significance.

Blueprint Genetics
Classification: Uncertain significance. Last evaluated: 2021-07-09. Review status: criteria provided, single submitter. Criteria: ACMG Guidelines, 2015. Collection method: clinical testing. Allele origin: germline.

Ambry Genetics
Classification: Uncertain significance for Inborn genetic diseases. Last evaluated: 2016-07-26. Review status: criteria provided, single submitter. Criteria: Ambry Variant Classification Scheme 2023. Collection method: clinical testing. Allele origin: germline.
Comment: The p.R3204W variant (also known as c.9610C>T), located in coding exon 68 of the SZT2 gene, results from a C to T substitution at nucleotide position 9610. The arginine at codon 3204 is replaced by tryptophan, an amino acid with dissimilar properties. This variant was not reported in population based cohorts in the following databases: Database of Single Nucleotide Polymorphisms (dbSNP), NHLBI Exome Sequencing Project (ESP), and 1000 Genomes Project. In the ESP, this variant was not observed in 6354 samples (12708 alleles) with coverage at this position. This amino acid position is poorly conserved in available vertebrate species. In addition, this alteration is predicted to be tolerated by in silico analysis. Since supporting evidence is limited at this time, the clinical significance of this variant remains unclear.

NM_001365999.1(SZT2):c.9781C>T (p.Arg3261Trp)

Genes: SZT2 (SZT2 subunit of KICSTOR complex; plus strand), SZT2-AS1 (SZT2 antisense RNA 1; minus strand). Cytogenetic location: 1p34.2.
Variant type: single nucleotide variant.
Coding change: c.9781C>T on transcript NM_001365999.1 (MANE Select); coding-DNA position 9781, C replaced by T.
Protein change: p.Arg3261Trp; replaces arginine 3261 with tryptophan.
Molecular consequence: missense variant. On other transcripts: non-coding transcript variant (1).
Genome position (GRCh38, 1-based): chr1:43,448,296, C>T. VCF-style: chr1-43448296-C-T. GRCh37 (hg19) VCF-style: chr1-43913967-C-T.
Other names: c.9610C>T, p.Arg3204Trp (NM_015284.4); short protein forms R3204W, R3261W.
Identifiers: ClinVar variation 588031 (VCV000588031.13), dbSNP rs757417546, ClinGen allele CA21653319.
Genomic context (GRCh38, chr1:43,448,296, plus strand): 5'-GCGCCTGGACCGGCTCCTCTGTTCCCACCACTGGCTGCAGAGGTGGGCATGGCACGAGCA[C>T]GGCTGGCTCAGCTGGTGCGGCTGGCTGGAGGGCACTGCCGTCGGGACACCCTTTGGAAGC-3'
Protein context (NP_001352928.1, residues 3251-3271): LAAEVGMARA[Arg3261Trp]LAQLVRLAGG